The following is an entry in ClinVar:

NM_000051.4(ATM):c.7316_7317insTAT (p.Val2439_Lys2440insIle)

Genes: ATM (ATM serine/threonine kinase; plus strand), C11orf65 (chromosome 11 open reading frame 65; minus strand). Cytogenetic location: 11q22.3.
Variant type: Insertion.
Coding change: c.7316_7317insTAT on transcript NM_000051.4 (MANE Select); coding-DNA positions 7316 to 7317, TAT inserted.
Protein change: p.Val2439_Lys2440insIle.
Molecular consequence: inframe insertion. On other transcripts: intron variant (2).
Genome position: GRCh38 VCF-style: chr11-108330221-G-GTTA. GRCh37 (hg19) VCF-style: chr11-108200948-G-GTTA.
Other names: c.7316_7317insTAT, p.Val2439_Lys2440insIle (NM_001351834.2); c.641-21151_641-21150insATA (NM_001330368.2); c.*38+4998_*38+4999insATA (NM_001351110.2).
Identifiers: ClinVar variation 863586 (VCV000863586.11), dbSNP rs2086111568, ClinGen allele CA916080508.

ClinVar aggregate classification (germline): Uncertain significance (1 of 4 stars; one submission).

Conditions:
Ataxia-telangiectasia syndrome (AT). Also called: ATAXIA-TELANGIECTASIA, COMPLEMENTATION GROUP A; ATAXIA-TELANGIECTASIA, FRESNO VARIANT; Ataxia-telangiectasia; Ataxia-telangiectasia, complementation group D; AT, COMPLEMENTATION GROUP C; Ataxia-telangiectasia, complementation group E. Identifiers: Orphanet 100, MedGen C0004135, MONDO:0008840, OMIM 208900.

Submission:

Labcorp Genetics (formerly Invitae), Labcorp
Classification: Uncertain significance for Ataxia-telangiectasia syndrome. Last evaluated: 2021-02-12. Review status: criteria provided, single submitter. Criteria: Invitae Variant Classification Sherloc (09022015). Collection method: clinical testing. Allele origin: germline.
Comment: This variant, c.7316_7317insTAT, results in the insertion of 1 amino acid(s) to the ATM protein (p.Val2439_Lys2440insIle), but otherwise preserves the integrity of the reading frame. In summary, the available evidence is currently insufficient to determine the role of this variant in disease. Therefore, it has been classified as a Variant of Uncertain Significance. Experimental studies and prediction algorithms are not available or were not evaluated for this variant, and the functional significance of the affected amino acid(s) is currently unknown. This variant has not been reported in the literature in individuals with ATM-related conditions. This variant is not present in population databases (ExAC no frequency).